The following is an entry in ClinVar:

NM_001374675.1(HSF4):c.257T>C (p.Ile86Thr)

Gene: HSF4 (heat shock transcription factor 4; plus strand). Cytogenetic location: 16q22.1.
Variant type: single nucleotide variant.
Coding change: c.257T>C on transcript NM_001374675.1 (MANE Select); coding-DNA position 257, T replaced by C.
Protein change: p.Ile86Thr; replaces isoleucine 86 with threonine.
Molecular consequence: missense variant.
Genome position (GRCh38, 1-based): chr16:67,165,743, T>C. VCF-style: chr16-67165743-T-C. GRCh37 (hg19) VCF-style: chr16-67199646-T-C.
Other names: c.257T>C, p.Ile86Thr (NM_001040667.3, NM_001374674.1, NM_001538.4); c.257T>C (NM_001538.3); short protein forms I86T.
Identifiers: ClinVar variation 1507878 (VCV001507878.7), dbSNP rs758027535, ClinGen allele CA8101768.

ClinVar aggregate classification (germline): Uncertain significance. Review status: criteria provided, multiple submitters, no conflicts (2 of 4 stars). 2 submissions from 2 submitters: Uncertain significance (2). Last evaluated 2025-12-11.

Conditions:
Inborn genetic diseases. Identifiers: MedGen C0950123, MeSH D030342.
Cataract 5 multiple types (CTRCT5). Also called: CATARACT 5, LAMELLAR; CATARACT, MARNER TYPE; Lamellar cataract. Identifiers: Orphanet 91492, MedGen C0266537, MONDO:0007290, OMIM 116800, HP:0007971.

Allele frequency attached by ClinVar (database versions not stated): TOPMed 0.00003; gnomAD 0.00004; gnomAD exomes 0.00004; ExAC 0.00007.
gnomAD v4.1: 64 of 1,611,544 alleles (0.004%); highest among the groups gnomAD compares: Non-Finnish European, 0.0048%; no homozygotes.

Submissions (2):

Ambry Genetics
Classification: Uncertain significance for Inborn genetic diseases. Last evaluated: 2025-12-11. Review status: criteria provided, single submitter. Criteria: Ambry Variant Classification Scheme 2023. Collection method: clinical testing. Allele origin: germline.

Labcorp Genetics (formerly Invitae), Labcorp
Classification: Uncertain significance for Cataract 5 multiple types. Last evaluated: 2025-06-20. Review status: criteria provided, single submitter. Criteria: Invitae Variant Classification Sherloc (09022015). Collection method: clinical testing. Allele origin: germline.
Comment: This sequence change replaces isoleucine, which is neutral and non-polar, with threonine, which is neutral and polar, at codon 86 of the HSF4 protein (p.Ile86Thr). This variant is present in population databases (rs758027535, gnomAD 0.008%). This variant has not been reported in the literature in individuals affected with HSF4-related conditions. ClinVar contains an entry for this variant (Variation ID: 1507878). Invitae Evidence Modeling of protein sequence and biophysical properties (such as structural, functional, and spatial information, amino acid conservation, physicochemical variation, residue mobility, and thermodynamic stability) indicates that this missense variant is not expected to disrupt HSF4 protein function with a negative predictive value of 80%. In summary, the available evidence is currently insufficient to determine the role of this variant in disease. Therefore, it has been classified as a Variant of Uncertain Significance.